The following is an entry in ClinVar:

NM_000379.4(XDH):c.287C>T (p.Thr96Met)

Gene: XDH (xanthine dehydrogenase; minus strand). Cytogenetic location: 2p23.1.
Variant type: single nucleotide variant.
Coding change: c.287C>T on transcript NM_000379.4 (MANE Select); coding-DNA position 287, C replaced by T.
Protein change: p.Thr96Met; replaces threonine 96 with methionine.
Molecular consequence: missense variant.
Genome position (GRCh38, 1-based): chr2:31,401,239, G>A on the plus strand (C>T on the coding strand, the complement: XDH is on the minus strand). VCF-style: chr2-31401239-G-A. GRCh37 (hg19) VCF-style: chr2-31624105-G-A.
Other names: short protein forms T96M.
Identifiers: ClinVar variation 1063785 (VCV001063785.9), dbSNP rs374226297, ClinGen allele CA1599700.
Genomic context (GRCh38, chr2:31,401,239, plus strand): 5'-GAGCCTGATCTCAAGAGCACAGCTCCCTTTCCTCTGTTTACCTGCACAGGATGCAGCCTC[G>A]TCTTGGTGCTTCCTATTCCTTCCACAGTTGTCACTGCAACATGGTGCAAGGAGCAGATGG-3'
Protein context (NP_000370.2, residues 86-106): TTVEGIGSTK[Thr96Met]RLHPVQERIA

ClinVar aggregate classification (germline): Uncertain significance (1 of 4 stars; one submission).

Conditions:
Xanthinuria type II. Also called: Xanthine dehydrogenase and aldehyde oxidase combined deficiency of; XDH and AOX dual deficiency. Identifiers: Orphanet 3467, Orphanet 93602, MedGen C1863688, MONDO:0011346, OMIM 603592.

Allele frequency attached by ClinVar (database versions not stated): ExAC 0.00002; gnomAD exomes 0.00002 and 0.00003; gnomAD 0.00003; TOPMed 0.00003; ESP Exome Variant Server 0.00008.
gnomAD v4.1: 38 of 1,614,066 alleles (0.0024%); highest among the groups gnomAD compares: Non-Finnish European, 0.0031%; no homozygotes.

Submission:

Labcorp Genetics (formerly Invitae), Labcorp
Classification: Uncertain significance for Xanthinuria type II. Last evaluated: 2025-03-17. Review status: criteria provided, single submitter. Criteria: Invitae Variant Classification Sherloc (09022015). Collection method: clinical testing. Allele origin: germline.
Comment: This sequence change replaces threonine, which is neutral and polar, with methionine, which is neutral and non-polar, at codon 96 of the XDH protein (p.Thr96Met). This variant is present in population databases (rs374226297, gnomAD 0.006%). This variant has not been reported in the literature in individuals affected with XDH-related conditions. ClinVar contains an entry for this variant (Variation ID: 1063785). An algorithm developed to predict the effect of missense changes on protein structure and function (PolyPhen-2) suggests that this variant is likely to be tolerated. In summary, the available evidence is currently insufficient to determine the role of this variant in disease. Therefore, it has been classified as a Variant of Uncertain Significance.